The following is an entry in ClinVar:

NM_003906.5(MCM3AP):c.2953_2956del (p.Ser985fs)

Gene: MCM3AP (minichromosome maintenance complex component 3 associated protein; minus strand). Cytogenetic location: 21q22.3.
Variant type: Deletion.
Coding change: c.2953_2956del on transcript NM_003906.5 (MANE Select); coding-DNA positions 2953 to 2956, 4 bases deleted (TCCC; older notation c.2953_2956delTCCC).
Protein change: p.Ser985fs; shifts the reading frame from serine 985.
Molecular consequence: frameshift variant.
Genome position (GRCh38, 1-based): chr21:46,266,000-46,266,003, GGGA deleted on the plus strand (TCCC on the coding strand, the reverse complement: MCM3AP is on the minus strand); deleting any 4 consecutive bases within chr21:46,266,000-46,266,004 gives the same sequence; the c. name uses the placement nearest the transcript's 3' end. VCF-style (leftmost placement, unchanged base first): chr21-46265999-TGGGA-T. GRCh37 (hg19) VCF-style: chr21-47685913-TGGGA-T.
Other names: short protein forms S985fs.
Identifiers: ClinVar variation 3670759 (VCV003670759.2).

ClinVar aggregate classification (germline): Pathogenic (1 of 4 stars; one submission).

Submission:

Labcorp Genetics (formerly Invitae), Labcorp
Classification: Pathogenic. Last evaluated: 2024-11-04. Review status: criteria provided, single submitter. Criteria: Invitae Variant Classification Sherloc (09022015). Collection method: clinical testing. Allele origin: germline.
Comment: This sequence change creates a premature translational stop signal (p.Ser985Argfs*35) in the MCM3AP gene. It is expected to result in an absent or disrupted protein product. Loss-of-function variants in MCM3AP are known to be pathogenic (PMID: 28633435). This variant is present in population databases (no rsID available, gnomAD 0.009%). This variant has not been reported in the literature in individuals affected with MCM3AP-related conditions. Algorithms developed to predict the effect of sequence changes on RNA splicing suggest that this variant may create or strengthen a splice site. For these reasons, this variant has been classified as Pathogenic.

Literature cited by the submitters: PubMed 28633435.